The following is an entry in ClinVar:

NM_017534.6(MYH2):c.2729G>T (p.Arg910Met)

Genes: MYH2 (myosin heavy chain 2; minus strand), MYHAS (myosin heavy chain gene cluster antisense RNA; plus strand). Cytogenetic location: 17p13.1.
Variant type: single nucleotide variant.
Coding change: c.2729G>T on transcript NM_017534.6 (MANE Select); coding-DNA position 2729, G replaced by T.
Protein change: p.Arg910Met; replaces arginine 910 with methionine.
Molecular consequence: missense variant.
Genome position (GRCh38, 1-based): chr17:10,530,043, C>A on the plus strand (G>T on the coding strand, the complement: MYH2 is on the minus strand). VCF-style: chr17-10530043-C-A. GRCh37 (hg19) VCF-style: chr17-10433360-C-A.
Other names: c.2729G>T, p.Arg910Met (NM_001100112.2); short protein forms R910M.
Identifiers: ClinVar variation 971568 (VCV000971568.7), dbSNP rs2073406829, ClinGen allele CA398143310.

ClinVar aggregate classification (germline): Uncertain significance (1 of 4 stars; one submission).

Conditions:
Myopathy, proximal, and ophthalmoplegia (CMYO6). Also called: INCLUSION BODY MYOPATHY 3, AUTOSOMAL DOMINANT; MYOPATHY WITH CONGENITAL JOINT CONTRACTURES, OPHTHALMOPLEGIA, AND RIMMED VACUOLES; CONGENITAL MYOPATHY 6 WITH OPHTHALMOPLEGIA. Identifiers: Orphanet 363677, Orphanet 79091, MedGen C1854106, MONDO:0011577, OMIM 605637.

Allele frequency attached by ClinVar (database versions not stated): gnomAD exomes below 0.00001; TOPMed below 0.00001.

Submission:

Labcorp Genetics (formerly Invitae), Labcorp
Classification: Uncertain significance for Myopathy, proximal, and ophthalmoplegia. Last evaluated: 2022-09-07. Review status: criteria provided, single submitter. Criteria: Invitae Variant Classification Sherloc (09022015). Collection method: clinical testing. Allele origin: germline.
Comment: ClinVar contains an entry for this variant (Variation ID: 971568). This variant has not been reported in the literature in individuals affected with MYH2-related conditions. This variant is not present in population databases (gnomAD no frequency). This sequence change replaces arginine, which is basic and polar, with methionine, which is neutral and non-polar, at codon 910 of the MYH2 protein (p.Arg910Met). Algorithms developed to predict the effect of missense changes on protein structure and function (SIFT, PolyPhen-2, Align-GVGD) all suggest that this variant is likely to be disruptive. In summary, the available evidence is currently insufficient to determine the role of this variant in disease. Therefore, it has been classified as a Variant of Uncertain Significance.